The following is an entry in ClinVar:

NM_001369.3(DNAH5):c.4596+1G>T

Genes: DNAH5 (dynein axonemal heavy chain 5; minus strand), DNAH5-AS1 (DNAH5 antisense RNA 1; plus strand). Cytogenetic location: 5p15.2.
Variant type: single nucleotide variant.
Coding change: c.4596+1G>T on transcript NM_001369.3 (MANE Select); the canonical splice donor site of the intron after coding-DNA position 4596, G replaced by T.
Molecular consequence: splice donor variant.
Genome position (GRCh38, 1-based): chr5:13,864,396, C>A on the plus strand (G>T on the coding strand, the complement: DNAH5 is on the minus strand). VCF-style: chr5-13864396-C-A. GRCh37 (hg19) VCF-style: chr5-13864505-C-A.
Identifiers: ClinVar variation 1073093 (VCV001073093.9), dbSNP rs2151908362, ClinGen allele CA359223527.

ClinVar aggregate classification (germline): Pathogenic (1 of 4 stars; one submission).

Conditions:
Primary ciliary dyskinesia. Also called: Ciliary dyskinesia. Identifiers: Orphanet 244, MedGen C0008780, MONDO:0016575, HP:0012265.

Submission:

Labcorp Genetics (formerly Invitae), Labcorp
Classification: Pathogenic for Primary ciliary dyskinesia. Last evaluated: 2023-10-05. Review status: criteria provided, single submitter. Criteria: Invitae Variant Classification Sherloc (09022015). Collection method: clinical testing. Allele origin: germline.
Comment: This sequence change affects a donor splice site in intron 28 of the DNAH5 gene. It is expected to disrupt RNA splicing. Variants that disrupt the donor or acceptor splice site typically lead to a loss of protein function (PMID: 16199547), and loss-of-function variants in DNAH5 are known to be pathogenic (PMID: 11788826, 16627867). This variant is not present in population databases (gnomAD no frequency). Disruption of this splice site has been observed in individual(s) with clinical features of primary ciliary dyskinesia (Invitae). ClinVar contains an entry for this variant (Variation ID: 1073093). Algorithms developed to predict the effect of sequence changes on RNA splicing suggest that this variant may disrupt the consensus splice site. For these reasons, this variant has been classified as Pathogenic.

Literature cited by the submitters: PubMed 16199547; PubMed 11788826; PubMed 16627867.